The following is an entry in ClinVar:

NM_025179.4(PLXNA2):c.2595G>A (p.Thr865=)

Gene: PLXNA2 (plexin A2; minus strand). Cytogenetic location: 1q32.2.
Variant type: single nucleotide variant.
Coding change: c.2595G>A on transcript NM_025179.4 (MANE Select); coding-DNA position 2595, G replaced by A.
Protein change: p.Thr865=; no amino-acid change (threonine 865 retained).
Molecular consequence: synonymous variant.
Genome position (GRCh38, 1-based): chr1:208,060,829, C>T on the plus strand (G>A on the coding strand, the complement: PLXNA2 is on the minus strand). VCF-style: chr1-208060829-C-T. GRCh37 (hg19) VCF-style: chr1-208234174-C-T.
Other names: c.2595G>A (NM_025179.3).
Identifiers: ClinVar variation 2639879 (VCV002639879.24), dbSNP rs772055485, ClinGen allele CA1373456.

ClinVar aggregate classification (germline): Likely benign. Review status: criteria provided, single submitter (1 of 4 stars). 2 submissions from 2 submitters: Likely benign (1). 1 of the submissions does not count toward it. Last evaluated 2022-07-01.

Conditions:
PLXNA2-related disorder. Also called: PLXNA2-related condition.

Allele frequency attached by ClinVar (database versions not stated): gnomAD 0.00001.
gnomAD v4.1: 39 of 1,613,640 alleles (0.0024%); highest among the groups gnomAD compares: African/African-American, 0.0027%; no homozygotes.

Submissions (2):

CeGaT Center for Human Genetics Tuebingen
Classification: Likely benign. Last evaluated: 2022-07-01. Review status: criteria provided, single submitter. Criteria: CeGaT Center For Human Genetics Tuebingen Variant Classification Criteria Version 2. Collection method: clinical testing. Allele origin: germline. Affected: yes. Observed: 1 variant allele.
Comment: PLXNA2: BP4, BP7

PreventionGenetics, part of Exact Sciences
Classification: Likely benign for PLXNA2-related condition. Last evaluated: 2023-12-29. Review status: no assertion criteria provided. Collection method: clinical testing. Allele origin: germline. Not counted in ClinVar's aggregate classification.
Comment: This variant is classified as likely benign based on ACMG/AMP sequence variant interpretation guidelines (Richards et al. 2015 PMID: 25741868, with internal and published modifications).